The following is an entry in ClinVar:

NM_002299.4(LCT):c.3604G>A (p.Asp1202Asn)

Gene: LCT (lactase; minus strand). Cytogenetic location: 2q21.3.
Variant type: single nucleotide variant.
Coding change: c.3604G>A on transcript NM_002299.4 (MANE Select); coding-DNA position 3604, G replaced by A.
Protein change: p.Asp1202Asn; replaces aspartic acid 1202 with asparagine.
Molecular consequence: missense variant.
Genome position (GRCh38, 1-based): chr2:135,808,743, C>T on the plus strand (G>A on the coding strand, the complement: LCT is on the minus strand). VCF-style: chr2-135808743-C-T. GRCh37 (hg19) VCF-style: chr2-136566313-C-T.
Other names: short protein forms D1202N.
Identifiers: ClinVar variation 1914454 (VCV001914454.4), dbSNP rs1315896065, ClinGen allele CA348599195.

ClinVar aggregate classification (germline): Uncertain significance (1 of 4 stars; one submission).

Allele frequency attached by ClinVar (database versions not stated): TOPMed below 0.00001; gnomAD exomes 0.00001.
gnomAD v4.1: 8 of 1,614,166 alleles (0.0005%); highest among the groups gnomAD compares: Admixed American, 0.0017%; no homozygotes.

Submission:

Labcorp Genetics (formerly Invitae), Labcorp
Classification: Uncertain significance. Last evaluated: 2022-10-17. Review status: criteria provided, single submitter. Criteria: Invitae Variant Classification Sherloc (09022015). Collection method: clinical testing. Allele origin: germline.
Comment: In summary, the available evidence is currently insufficient to determine the role of this variant in disease. Therefore, it has been classified as a Variant of Uncertain Significance. Advanced modeling of protein sequence and biophysical properties (such as structural, functional, and spatial information, amino acid conservation, physicochemical variation, residue mobility, and thermodynamic stability) performed at Invitae indicates that this missense variant is expected to disrupt LCT protein function. This variant has not been reported in the literature in individuals affected with LCT-related conditions. This variant is present in population databases (no rsID available, gnomAD 0.003%). This sequence change replaces aspartic acid, which is acidic and polar, with asparagine, which is neutral and polar, at codon 1202 of the LCT protein (p.Asp1202Asn).